The following is an entry in ClinVar:

NM_003630.3(PEX3):c.523+4del

Gene: PEX3 (peroxisomal biogenesis factor 3; plus strand). Cytogenetic location: 6q24.2.
Variant type: Deletion.
Coding change: c.523+4del on transcript NM_003630.3 (MANE Select); 4 bases into the intron after coding-DNA position 523, one base deleted (A; older notation c.523+4delA).
Molecular consequence: intron variant.
Genome position (GRCh38, 1-based): chr6:143,471,453, A deleted; the last of 2 consecutive A bases (chr6:143,471,452-143,471,453); deleting either gives the same sequence. VCF-style (leftmost placement, unchanged base first): chr6-143471451-TA-T. GRCh37 (hg19) VCF-style: chr6-143792588-TA-T.
Identifiers: ClinVar variation 2020028 (VCV002020028.2), dbSNP rs1167003088, ClinGen allele CA570630309.

ClinVar aggregate classification (germline): Uncertain significance (1 of 4 stars; one submission).

Submission:

Labcorp Genetics (formerly Invitae), Labcorp
Classification: Uncertain significance. Last evaluated: 2024-01-15. Review status: criteria provided, single submitter. Criteria: Invitae Variant Classification Sherloc (09022015). Collection method: clinical testing. Allele origin: germline.
Comment: This sequence change falls in intron 6 of the PEX3 gene. It does not directly change the encoded amino acid sequence of the PEX3 protein. It affects a nucleotide within the consensus splice site. This variant is present in population databases (no rsID available, gnomAD 0.002%). This variant has not been reported in the literature in individuals affected with PEX3-related conditions. ClinVar contains an entry for this variant (Variation ID: 2020028). Variants that disrupt the consensus splice site are a relatively common cause of aberrant splicing (PMID: 17576681, 9536098). Algorithms developed to predict the effect of sequence changes on RNA splicing suggest that this variant may disrupt the consensus splice site. In summary, the available evidence is currently insufficient to determine the role of this variant in disease. Therefore, it has been classified as a Variant of Uncertain Significance.

Literature cited by the submitters: PubMed 17576681; PubMed 9536098.